The following is an entry in ClinVar:

ClinVar aggregate classification (germline): Uncertain significance. Review status: criteria provided, multiple submitters, no conflicts (2 of 4 stars). 5 submissions from 5 submitters: Uncertain significance (5). Last evaluated 2025-09-26.

Conditions:
Inborn genetic diseases. Identifiers: MedGen C0950123, MeSH D030342.
Atypical hemolytic-uremic syndrome. Identifiers: Orphanet 2134, MedGen C2931788, MONDO:0016244.

Allele frequency attached by ClinVar (database versions not stated): gnomAD 0.00001 and 0.00002; TOPMed 0.00001; ExAC 0.00002; gnomAD exomes 0.00002.
gnomAD v4.1: 17 of 1,613,976 alleles (0.0011%); highest among the groups gnomAD compares: South Asian, 0.015%; no homozygotes.

Submissions (5):

Genomenon, Inc
Classification: Uncertain significance for Atypical hemolytic-uremic syndrome. Last evaluated: 2025-09-26. Review status: criteria provided, single submitter. Criteria: Genomenon Sequence Variant Interpretation Standards - Updated. Collection method: curation. Allele origin: germline. Affected: yes.
Comment: CFI p.Ile126Thr (c.377T>C) is a missense variant that changes the amino acid at residue 126 from Isoleucine to Threonine. This variant has been observed in at least one proband affected with atypical hemolytic-uremic syndrome (PMID:37466676). The variant is located in a mutational hotspot. It is absent or not present at a significant frequency in gnomAD. In silico models agree that this variant is not damaging. In conclusion, we classify CFI p.Ile126Thr (c.377T>C) as a variant of unknown significance.

Mayo Clinic Laboratories, Mayo Clinic
Classification: Uncertain significance. Last evaluated: 2024-07-08. Review status: criteria provided, single submitter. Criteria: ACMG Guidelines, 2015. Collection method: clinical testing. Allele origin: germline. Observed: 1 variant allele.
Comment: BP4

Ambry Genetics
Classification: Uncertain significance for Inborn genetic diseases. Last evaluated: 2022-06-17. Review status: criteria provided, single submitter. Criteria: Ambry Variant Classification Scheme 2023. Collection method: clinical testing. Allele origin: germline.

Labcorp Genetics (formerly Invitae), Labcorp
Classification: Uncertain significance. Last evaluated: 2021-04-27. Review status: criteria provided, single submitter. Criteria: Invitae Variant Classification Sherloc (09022015). Collection method: clinical testing. Allele origin: germline.
Comment: In summary, the available evidence is currently insufficient to determine the role of this variant in disease. Therefore, it has been classified as a Variant of Uncertain Significance. This variant has not been reported in the literature in individuals with CFI-related conditions. Advanced modeling of protein sequence and biophysical properties (such as structural, functional, and spatial information, amino acid conservation, physicochemical variation, residue mobility, and thermodynamic stability) performed at Invitae indicates that this missense variant is not expected to disrupt CFI protein function. This variant is present in population databases (rs778891732, ExAC 0.02%). This sequence change replaces isoleucine with threonine at codon 126 of the CFI protein (p.Ile126Thr). The isoleucine residue is weakly conserved and there is a moderate physicochemical difference between isoleucine and threonine.

Genome Diagnostics Laboratory, The Hospital for Sick Children
Classification: Uncertain significance for Atypical hemolytic-uremic syndrome. Last evaluated: 2021-02-24. Review status: criteria provided, single submitter. Criteria: ACMG Guidelines, 2015. Collection method: clinical testing. Allele origin: germline.

Literature cited by the submitters: PubMed 37466676 (cited by Genomenon, Inc and Mayo Clinic Laboratories, Mayo Clinic).

NM_000204.5(CFI):c.377T>C (p.Ile126Thr)

Gene: CFI (complement factor I; minus strand). Cytogenetic location: 4q25.
Variant type: single nucleotide variant.
Coding change: c.377T>C on transcript NM_000204.5 (MANE Select); coding-DNA position 377, T replaced by C.
Protein change: p.Ile126Thr; replaces isoleucine 126 with threonine.
Molecular consequence: missense variant. On other transcripts: non-coding transcript variant (3), intron variant (1).
Genome position (GRCh38, 1-based): chr4:109,764,642, A>G on the plus strand (T>C on the coding strand, the complement: CFI is on the minus strand). VCF-style: chr4-109764642-A-G. GRCh37 (hg19) VCF-style: chr4-110685798-A-G.
Other names: p.Ile126Thr; c.377T>C (NM_000204.3); c.377T>C, p.Ile126Thr (NM_001318057.2, NM_001331035.2, NM_001375278.1 and 5 more transcripts); c.-127-2950T>C (NM_001375284.1); short protein forms I126T.
Identifiers: ClinVar variation 1471229 (VCV001471229.13), dbSNP rs778891732, ClinGen allele CA3042287.